The following is an entry in ClinVar:

ClinVar aggregate classification (germline): Uncertain significance (1 of 4 stars; one submission).

Conditions:
Early-infantile DEE. Also called: Ohtahara syndrome; Early infantile epileptic encephalopathy; Early infantile epileptic encephalopathy with suppression bursts. Identifiers: Orphanet 1934, MedGen C0393706, MONDO:0800491.

Allele frequency attached by ClinVar (database versions not stated): ExAC 0.00001.
gnomAD v4.1: 2 of 1,614,106 alleles (0.00012%); highest among the groups gnomAD compares: Admixed American, 0.0033%; no homozygotes.

Submission:

Labcorp Genetics (formerly Invitae), Labcorp
Classification: Uncertain significance for Early-infantile DEE. Last evaluated: 2023-10-18. Review status: criteria provided, single submitter. Criteria: Invitae Variant Classification Sherloc (09022015). Collection method: clinical testing. Allele origin: germline.
Comment: This sequence change replaces leucine, which is neutral and non-polar, with valine, which is neutral and non-polar, at codon 471 of the SPTAN1 protein (p.Leu471Val). This variant is present in population databases (rs763477441, gnomAD 0.003%). This variant has not been reported in the literature in individuals affected with SPTAN1-related conditions. Advanced modeling of protein sequence and biophysical properties (such as structural, functional, and spatial information, amino acid conservation, physicochemical variation, residue mobility, and thermodynamic stability) has been performed at Invitae for this missense variant, however the output from this modeling did not meet the statistical confidence thresholds required to predict the impact of this variant on SPTAN1 protein function. In summary, the available evidence is currently insufficient to determine the role of this variant in disease. Therefore, it has been classified as a Variant of Uncertain Significance.

NM_001130438.3(SPTAN1):c.1411C>G (p.Leu471Val)

Gene: SPTAN1 (spectrin alpha, non-erythrocytic 1; plus strand). Cytogenetic location: 9q34.11.
Variant type: single nucleotide variant.
Coding change: c.1411C>G on transcript NM_001130438.3 (MANE Select); coding-DNA position 1411, C replaced by G.
Protein change: p.Leu471Val; replaces leucine 471 with valine.
Molecular consequence: missense variant.
Genome position (GRCh38, 1-based): chr9:128,581,009, C>G. VCF-style: chr9-128581009-C-G. GRCh37 (hg19) VCF-style: chr9-131343288-C-G.
Other names: c.1411C>G, p.Leu471Val (NM_001195532.2, NM_001363759.2, NM_001363765.2 and 5 more transcripts); c.1447C>G, p.Leu483Val (NM_001375312.2, NM_001375318.1); short protein forms L483V, L471V.
Identifiers: ClinVar variation 2867869 (VCV002867869.3), dbSNP rs763477441, ClinGen allele CA5264385.